The following is an entry in ClinVar:

NM_174936.4(PCSK9):c.1484G>T (p.Arg495Leu)

Gene: PCSK9 (proprotein convertase subtilisin/kexin type 9; plus strand). Cytogenetic location: 1p32.3.
Variant type: single nucleotide variant.
Coding change: c.1484G>T on transcript NM_174936.4 (MANE Select); coding-DNA position 1484, G replaced by T.
Protein change: p.Arg495Leu; replaces arginine 495 with leucine.
Molecular consequence: missense variant.
Genome position (GRCh38, 1-based): chr1:55,058,628, G>T. VCF-style: chr1-55058628-G-T. GRCh37 (hg19) VCF-style: chr1-55524301-G-T.
Other names: c.1607G>T, p.Arg536Leu (NM_001407240.1); c.1484G>T, p.Arg495Leu (NM_001407241.1); c.1487G>T, p.Arg496Leu (NM_001407242.1); c.1427G>T, p.Arg476Leu (NM_001407243.1); c.1310G>T, p.Arg437Leu (NM_001407244.1); c.1292G>T, p.Arg431Leu (NM_001407245.1); c.1109G>T, p.Arg370Leu (NM_001407246.1); short protein forms R495L, R437L, R476L, R496L, R431L, R370L, R536L.
Identifiers: ClinVar variation 922136 (VCV000922136.11), dbSNP rs370574590, ClinGen allele CA037181.
Genomic context (GRCh38, chr1:55,058,628, plus strand): 5'-CCCGCTGCGCCCCAGATGAGGAGCTGCTGAGCTGCTCCAGTTTCTCCAGGAGTGGGAAGC[G>T]GCGGGGCGAGCGCATGGAGGTGACTGTACCCCTCCTTCGTGTGTGTGTGTGTGTGTGTGT-3'
Protein context (NP_777596.2, residues 485-505): SCSSFSRSGK[Arg495Leu]RGERMEAQGG

ClinVar aggregate classification (germline): Uncertain significance. Review status: criteria provided, multiple submitters, no conflicts (2 of 4 stars). 5 submissions from 5 submitters: Uncertain significance (5). Last evaluated 2025-12-26.

Conditions:
Cardiovascular phenotype. Identifiers: MedGen CN230736.
Familial hypercholesterolemia. Also called: Familial hypercholesterolemias; Familial hypercholesterolaemia. Identifiers: MedGen C0020445, MONDO:0005439.
Hypercholesterolemia, autosomal dominant, 3 (FHCL3). Also called: Familial hypercholesterolemia 3; Familial Hypercholesterolemia, Autosomal Dominant, 3; PCSK9-Related Familial Hypercholesterolemia, Autosomal Dominant. Identifiers: MedGen C1863551, MONDO:0011369, OMIM 603776.

Allele frequency attached by ClinVar (database versions not stated): TOPMed 0.00002; ESP Exome Variant Server 0.00008.
gnomAD v4.1: 16 of 1,611,046 alleles (0.00099%); highest among the groups gnomAD compares: Non-Finnish European, 0.0014%; no homozygotes.

Submissions (5):

Color Diagnostics, LLC DBA Color Health
Classification: Uncertain significance for Familial hypercholesterolemia. Last evaluated: 2025-12-26. Review status: criteria provided, single submitter. Criteria: ACMG Guidelines, 2015. Collection method: clinical testing. Allele origin: germline.
Comment: This missense variant replaces arginine with leucine at codon 495 of the PCSK9 protein. Computational prediction suggests that this variant may not impact protein structure and function. To our knowledge, functional studies have not been reported for this variant. This variant has not been reported in individuals affected with PCSK9-related disorders in the literature. This variant has been identified in 4/279978 chromosomes in the general population by the Genome Aggregation Database (gnomAD). The available evidence is insufficient to determine the role of this variant in disease conclusively. Therefore, this variant is classified as a Variant of Uncertain Significance.

GeneDx
Classification: Uncertain significance. Last evaluated: 2024-12-19. Review status: criteria provided, single submitter. Criteria: GeneDx Variant Classification Process June 2021. Collection method: clinical testing. Allele origin: germline. Affected: yes.
Comment: Not observed at significant frequency in large population cohorts (gnomAD); In silico analysis supports that this missense variant has a deleterious effect on protein structure/function; Has not been previously published as pathogenic or benign to our knowledge

All of Us Research Program, National Institutes of Health
Classification: Uncertain significance for Hypercholesterolemia, autosomal dominant, 3. Last evaluated: 2024-02-05. Review status: criteria provided, single submitter. Criteria: ACMG Guidelines, 2015. Collection method: clinical testing. Allele origin: germline. Inheritance: Autosomal dominant inheritance. Observed: 6 variant alleles, 6 heterozygotes.
Comment: This missense variant replaces arginine with leucine at codon 495 of the PCSK9 protein. Computational prediction suggests that this variant may not impact protein structure and function (internally defined REVEL score threshold <= 0.5, PMID: 27666373). Splice site prediction tools suggest that this variant may not impact RNA splicing. To our knowledge, functional studies have not been performed for this variant. This variant has not been reported in individuals affected with familial hypercholesterolemia in the literature. This variant has been identified in 4/279978 chromosomes in the general population by the Genome Aggregation Database (gnomAD). The available evidence is insufficient to determine the role of this variant in disease conclusively. Therefore, this variant is classified as a Variant of Uncertain Significance.

This study involves interpretation of variants in research participants for the purpose of population health screening. Participant phenotype was not available at the time of variant classification. Additional details can be found in publication PMID: 35346344, PMCID: PMC8962531

Ambry Genetics
Classification: Uncertain significance for Cardiovascular phenotype. Last evaluated: 2024-02-05. Review status: criteria provided, single submitter. Criteria: Ambry Variant Classification Scheme 2023. Collection method: clinical testing. Allele origin: germline.

Fulgent Genetics
Classification: Uncertain significance for Hypercholesterolemia, autosomal dominant, 3. Last evaluated: 2021-10-11. Review status: criteria provided, single submitter. Criteria: ACMG Guidelines, 2015. Collection method: clinical testing. Allele origin: unknown.